The following is an entry in ClinVar:

NC_000006.11:g.(?_26087669)_(26094454_?)del

Gene: HFE (homeostatic iron regulator; plus strand). Cytogenetic location: 6p22.2.
Variant type: Deletion.
Identifiers: ClinVar variation 3245973 (VCV003245973.1).

ClinVar aggregate classification (germline): Pathogenic (1 of 4 stars; one submission).

Conditions:
Hereditary hemochromatosis (HFE). Identifiers: MedGen C0392514, MONDO:0006507. Disease mechanism: loss of function.

Submission:

Labcorp Genetics (formerly Invitae), Labcorp
Classification: Pathogenic for Hereditary hemochromatosis. Last evaluated: 2023-06-09. Review status: criteria provided, single submitter. Criteria: Invitae Variant Classification Sherloc (09022015). Collection method: clinical testing. Allele origin: unknown.
Comment: This variant has not been reported in the literature in individuals affected with HFE-related conditions. For these reasons, this variant has been classified as Pathogenic. A gross deletion of the genomic region encompassing the full coding sequence of the HFE gene has been identified. Loss-of-function variants in HFE are known to be pathogenic (PMID: 27518069). The boundaries of this event are unknown as they extend beyond the assayed region for this gene and therefore may encompass additional genes.

Literature cited by the submitters: PubMed 27518069.